The following is an entry in ClinVar:

ClinVar aggregate classification (germline): Uncertain significance. Review status: criteria provided, multiple submitters, no conflicts (2 of 4 stars). 2 submissions from 2 submitters: Uncertain significance (2). Last evaluated 2025-12-01.

Allele frequency attached by ClinVar (database versions not stated): gnomAD exomes below 0.00001.
gnomAD v4.1: 4 of 1,348,798 alleles (0.0003%); highest among the groups gnomAD compares: Non-Finnish European, 0.00039%; no homozygotes.

Submissions (2):

CeGaT Center for Human Genetics Tuebingen
Classification: Uncertain significance. Last evaluated: 2025-12-01. Review status: criteria provided, single submitter. Criteria: CeGaT Center For Human Genetics Tuebingen Variant Classification Criteria Version 2. Collection method: clinical testing. Allele origin: germline. Affected: yes. Observed: 1 variant allele.
Comment: CAMK2B: PP2

GeneDx
Classification: Uncertain significance. Last evaluated: 2023-03-29. Review status: criteria provided, single submitter. Criteria: GeneDx Variant Classification Process June 2021. Collection method: clinical testing. Allele origin: germline. Affected: yes.
Comment: Not observed at significant frequency in large population cohorts (gnomAD); In silico analysis supports that this missense variant does not alter protein structure/function; Has not been previously published as pathogenic or benign to our knowledge

NM_001220.5(CAMK2B):c.964G>A (p.Ala322Thr)

Gene: CAMK2B (calcium/calmodulin dependent protein kinase II beta; minus strand). Cytogenetic location: 7p13.
Variant type: single nucleotide variant.
Coding change: c.964G>A on transcript NM_001220.5 (MANE Select); coding-DNA position 964, G replaced by A.
Protein change: p.Ala322Thr; replaces alanine 322 with threonine.
Molecular consequence: missense variant. On other transcripts: intron variant (5).
Genome position (GRCh38, 1-based): chr7:44,239,646, C>T on the plus strand (G>A on the coding strand, the complement: CAMK2B is on the minus strand). VCF-style: chr7-44239646-C-T. GRCh37 (hg19) VCF-style: chr7-44279245-C-T.
Other names: c.964G>A, p.Ala322Thr (NM_001293170.2, NM_172078.3, NM_172082.3); c.946+1061G>A (NM_172084.3, NM_172080.3, NM_172083.3 and 2 more transcripts); short protein forms A322T.
Identifiers: ClinVar variation 2582115 (VCV002582115.6), dbSNP rs867587128, ClinGen allele CA157888244.